The following is an entry in ClinVar:

NM_000321.3(RB1):c.844G>A (p.Glu282Lys)

Gene: RB1 (RB transcriptional corepressor 1; plus strand). Cytogenetic location: 13q14.2.
Variant type: single nucleotide variant.
Coding change: c.844G>A on transcript NM_000321.3 (MANE Select); coding-DNA position 844, G replaced by A.
Protein change: p.Glu282Lys; replaces glutamic acid 282 with lysine.
Molecular consequence: missense variant.
Genome position (GRCh38, 1-based): chr13:48,362,940, G>A. VCF-style: chr13-48362940-G-A. GRCh37 (hg19) VCF-style: chr13-48937076-G-A.
Other names: c.844G>A, p.Glu282Lys (NM_001407165.1, NM_001407166.1); short protein forms E282K.
Identifiers: ClinVar variation 3706126 (VCV003706126.3).
Genomic context (GRCh38, chr13:48,362,940, plus strand): 5'-CGGATAGCAAAACAACTAGAAAATGATACAAGAATTATTGAAGTTCTCTGTAAAGAACAT[G>A]AATGTAATATAGATGAGGTAATTTAACTTCATGATTTCTTTAAAACAGTTAAAGTAGATT-3'
Protein context (NP_000312.2, residues 272-292): RIIEVLCKEH[Glu282Lys]CNIDEVKNVY

ClinVar aggregate classification (germline): Uncertain significance. Review status: criteria provided, multiple submitters, no conflicts (2 of 4 stars). 2 submissions from 2 submitters: Uncertain significance (2). Last evaluated 2026-07-27.

Conditions:
Retinoblastoma (RB1). Also called: RETINOBLASTOMA, SOMATIC. Identifiers: Orphanet 790, MedGen C0035335, MeSH D012175, MONDO:0008380, OMIM 180200, HP:0009919. Disease mechanism: loss of function. Inheritance: Both sporadic and heritable forms are tested..
Hereditary cancer-predisposing syndrome. Also called: Tumor predisposition; Hereditary neoplastic syndrome; Hereditary Cancer Syndrome; Neoplastic Syndromes, Hereditary. Identifiers: Orphanet 140162, MedGen C0027672, MeSH D009386, MONDO:0015356.

Submissions (2):

Ambry Genetics
Classification: Uncertain significance for Hereditary cancer-predisposing syndrome. Last evaluated: 2026-07-27. Review status: criteria provided, single submitter. Criteria: Ambry Variant Classification Scheme 2023. Collection method: clinical testing. Allele origin: germline.
Comment: The p.E282K variant (also known as c.844G>A), located in coding exon 8 of the RB1 gene, results from a G to A substitution at nucleotide position 844. The glutamic acid at codon 282 is replaced by lysine, an amino acid with similar properties. This amino acid position is conserved. In addition, the in silico prediction for this alteration is inconclusive. Based on the available evidence, the clinical significance of this variant remains unclear.

Labcorp Genetics (formerly Invitae), Labcorp
Classification: Uncertain significance for Retinoblastoma. Last evaluated: 2024-10-31. Review status: criteria provided, single submitter. Criteria: Invitae Variant Classification Sherloc (09022015). Collection method: clinical testing. Allele origin: germline.
Comment: This sequence change replaces glutamic acid, which is acidic and polar, with lysine, which is basic and polar, at codon 282 of the RB1 protein (p.Glu282Lys). This variant is not present in population databases (gnomAD no frequency). This variant has not been reported in the literature in individuals affected with RB1-related conditions. Invitae Evidence Modeling of protein sequence and biophysical properties (such as structural, functional, and spatial information, amino acid conservation, physicochemical variation, residue mobility, and thermodynamic stability) indicates that this missense variant is not expected to disrupt RB1 protein function with a negative predictive value of 80%. In summary, the available evidence is currently insufficient to determine the role of this variant in disease. Therefore, it has been classified as a Variant of Uncertain Significance.